The following is an entry in ClinVar:

NM_000161.3(GCH1):c.19C>T (p.Arg7Trp)

Genes: GCH1 (GTP cyclohydrolase 1; minus strand), LOC130055692 (ATAC-STARR-seq lymphoblastoid silent region 5776; plus strand). Cytogenetic location: 14q22.2.
Variant type: single nucleotide variant.
Coding change: c.19C>T on transcript NM_000161.3 (MANE Select); coding-DNA position 19, C replaced by T.
Protein change: p.Arg7Trp; replaces arginine 7 with tryptophan.
Molecular consequence: missense variant.
Genome position (GRCh38, 1-based): chr14:54,902,645, G>A on the plus strand (C>T on the coding strand, the complement: GCH1 is on the minus strand). VCF-style: chr14-54902645-G-A. GRCh37 (hg19) VCF-style: chr14-55369363-G-A.
Other names: c.19C>T, p.Arg7Trp (NM_001024024.2, NM_001024070.2, NM_001024071.2); short protein forms R7W.
Identifiers: ClinVar variation 2504993 (VCV002504993.1), dbSNP rs1167936240, ClinGen allele CA389794903.
Genomic context (GRCh38, chr14:54,902,645, plus strand): 5'-GATCCCGCTCGGGGAACCCATTGCTGCACCTGGCGCCCCGCGGCTTCTCCGCCGGTGCCC[G>A]CACAGGGCCCTTCTCCATGGACCCGCCGCAGCCGCTGCCGTTCGGGAAGGACCCCGGGGC-3'
Protein context (NP_000152.1, residues 1-17): MEKGPV[Arg7Trp]APAEKPRGAR

ClinVar aggregate classification (germline): Uncertain significance (1 of 4 stars; one submission).

Submission:

GeneDx
Classification: Uncertain significance. Last evaluated: 2022-12-02. Review status: criteria provided, single submitter. Criteria: GeneDx Variant Classification Process June 2021. Collection method: clinical testing. Allele origin: germline. Affected: yes.
Comment: In silico analysis supports that this missense variant does not alter protein structure/function; Has not been previously published as pathogenic or benign to our knowledge